The following is an entry in ClinVar:

ClinVar aggregate classification (germline): Uncertain significance. Review status: criteria provided, multiple submitters, no conflicts (2 of 4 stars). 2 submissions from 2 submitters: Uncertain significance (2). Last evaluated 2025-10-22.

Conditions:
Pheochromocytoma. Also called: MAX-Related Hereditary Paraganglioma-Pheochromocytoma Syndrome. Identifiers: Orphanet 29072, MedGen C0031511, MONDO:0008233, OMIM 171300, HP:0002666.
Paragangliomas with sensorineural hearing loss. Identifiers: MedGen C1868633.
Carney-Stratakis syndrome. Also called: PARAGANGLIOMA AND GASTROINTESTINAL STROMAL TUMOR. Identifiers: Orphanet 97286, MedGen C1847319, MONDO:0011740, OMIM 606864.
Cowden syndrome 3 (CWS3). Identifiers: Orphanet 201, MedGen CN166604, MONDO:0014045.
Hereditary cancer-predisposing syndrome. Also called: Hereditary Cancer Syndrome; Hereditary neoplastic syndrome; Neoplastic Syndromes, Hereditary; Tumor predisposition. Identifiers: Orphanet 140162, MedGen C0027672, MeSH D009386, MONDO:0015356.

Submissions (2):

Ambry Genetics
Classification: Uncertain significance for Hereditary cancer-predisposing syndrome. Last evaluated: 2025-10-22. Review status: criteria provided, single submitter. Criteria: Ambry Variant Classification Scheme 2023. Collection method: clinical testing. Allele origin: germline.
Comment: The p.R22P variant (also known as c.65G>C), located in coding exon 2 of the SDHD gene, results from a G to C substitution at nucleotide position 65. The arginine at codon 22 is replaced by proline, an amino acid with dissimilar properties. This amino acid position is conserved. In addition, this alteration is predicted to be deleterious by in silico analysis. Based on the available evidence, the clinical significance of this variant remains unclear.

Labcorp Genetics (formerly Invitae), Labcorp
Classification: Uncertain significance for Carney-Stratakis syndrome; Paragangliomas with sensorineural hearing loss; Pheochromocytoma; Cowden syndrome 3. Last evaluated: 2023-02-20. Review status: criteria provided, single submitter. Criteria: Invitae Variant Classification Sherloc (09022015). Collection method: clinical testing. Allele origin: germline.
Comment: This variant has not been reported in the literature in individuals affected with SDHD-related conditions. This variant is not present in population databases (gnomAD no frequency). This sequence change replaces arginine, which is basic and polar, with proline, which is neutral and non-polar, at codon 22 of the SDHD protein (p.Arg22Pro). Advanced modeling of protein sequence and biophysical properties (such as structural, functional, and spatial information, amino acid conservation, physicochemical variation, residue mobility, and thermodynamic stability) performed at Invitae indicates that this missense variant is not expected to disrupt SDHD protein function. In summary, the available evidence is currently insufficient to determine the role of this variant in disease. Therefore, it has been classified as a Variant of Uncertain Significance.

NM_003002.4(SDHD):c.65G>C (p.Arg22Pro)

Gene: SDHD (succinate dehydrogenase complex subunit D; plus strand). Cytogenetic location: 11q23.1.
Variant type: single nucleotide variant.
Coding change: c.65G>C on transcript NM_003002.4 (MANE Select); coding-DNA position 65, G replaced by C.
Protein change: p.Arg22Pro; replaces arginine 22 with proline.
Molecular consequence: missense variant. On other transcripts: non-coding transcript variant (1), intron variant (1).
Genome position (GRCh38, 1-based): chr11:112,087,869, G>C. VCF-style: chr11-112087869-G-C. GRCh37 (hg19) VCF-style: chr11-111958593-G-C.
Other names: c.65G>C (NM_003002.2); c.65G>C, p.Arg22Pro (NM_001276503.2, NM_001276506.2); c.52+910G>C (NM_001276504.2); short protein forms R22P.
Identifiers: ClinVar variation 1923670 (VCV001923670.6), dbSNP rs1555186772, ClinGen allele CA382616926.